The following is an entry in ClinVar:

ClinVar aggregate classification (germline): Uncertain significance. Review status: criteria provided, multiple submitters, no conflicts (2 of 4 stars). 2 submissions from 2 submitters: Uncertain significance (2). Last evaluated 2025-12-09.

Conditions:
Inborn genetic diseases. Identifiers: MedGen C0950123, MeSH D030342.

Allele frequency attached by ClinVar (database versions not stated): gnomAD exomes 0.00002; ExAC 0.00003; gnomAD 0.00003 and 0.00004; TOPMed 0.00008.

Submissions (2):

Labcorp Genetics (formerly Invitae), Labcorp
Classification: Uncertain significance. Last evaluated: 2025-12-09. Review status: criteria provided, single submitter. Criteria: Invitae Variant Classification Sherloc (09022015). Collection method: clinical testing. Allele origin: germline.
Comment: This sequence change replaces alanine, which is neutral and non-polar, with valine, which is neutral and non-polar, at codon 56 of the TOPORS protein (p.Ala56Val). This variant is present in population databases (rs753950095, gnomAD 0.03%). This variant has not been reported in the literature in individuals affected with TOPORS-related conditions. ClinVar contains an entry for this variant (Variation ID: 1438514). An algorithm developed to predict the effect of missense changes on protein structure and function (PolyPhen-2) suggests that this variant is likely to be tolerated. In summary, the available evidence is currently insufficient to determine the role of this variant in disease. Therefore, it has been classified as a Variant of Uncertain Significance.

Ambry Genetics
Classification: Uncertain significance for Inborn genetic diseases. Last evaluated: 2023-12-27. Review status: criteria provided, single submitter. Criteria: Ambry Variant Classification Scheme 2023. Collection method: clinical testing. Allele origin: germline.

NM_005802.5(TOPORS):c.167C>T (p.Ala56Val)

Gene: TOPORS (TOP1 binding arginine/serine rich protein, E3 ubiquitin ligase; minus strand). Cytogenetic location: 9p21.1.
Variant type: single nucleotide variant.
Coding change: c.167C>T on transcript NM_005802.5 (MANE Select); coding-DNA position 167, C replaced by T.
Protein change: p.Ala56Val; replaces alanine 56 with valine.
Molecular consequence: missense variant. On other transcripts: intron variant (1).
Genome position (GRCh38, 1-based): chr9:32,550,805, G>A on the plus strand (C>T on the coding strand, the complement: TOPORS is on the minus strand). VCF-style: chr9-32550805-G-A. GRCh37 (hg19) VCF-style: chr9-32550803-G-A.
Other names: c.3+1629C>T (NM_001195622.2); c.167C>T (NM_005802.4); short protein forms A56V.
Identifiers: ClinVar variation 1438514 (VCV001438514.9), dbSNP rs753950095, ClinGen allele CA5020713.